The following is an entry in ClinVar:

ClinVar aggregate classification (germline): Likely benign (1 of 4 stars; one submission).

Allele frequency attached by ClinVar (database versions not stated): gnomAD exomes below 0.00001.
gnomAD v4.1: 2 of 1,600,048 alleles (0.00012%); highest among the groups gnomAD compares: Admixed American, 0.0017%; no homozygotes.

Submission:

GeneDx
Classification: Likely benign. Last evaluated: 2018-03-21. Review status: criteria provided, single submitter. Criteria: GeneDx Variant Classification (06012015). Collection method: clinical testing. Allele origin: germline. Affected: yes.
Comment: This variant is considered likely benign or benign based on one or more of the following criteria: it is a conservative change, it occurs at a poorly conserved position in the protein, it is predicted to be benign by multiple in silico algorithms, and/or has population frequency not consistent with disease.

NM_006941.4(SOX10):c.144A>C (p.Pro48=)

Genes: POLR2F (RNA polymerase II, I and III subunit F; plus strand), SOX10 (SRY-box transcription factor 10; minus strand). Cytogenetic location: 22q13.1.
Variant type: single nucleotide variant.
Coding change: c.144A>C on transcript NM_006941.4 (MANE Select); coding-DNA position 144, A replaced by C.
Protein change: p.Pro48=; no amino-acid change (proline 48 retained).
Molecular consequence: synonymous variant. On other transcripts: intron variant (3).
Genome position (GRCh38, 1-based): chr22:37,983,641, T>G on the plus strand (A>C on the coding strand, the complement: SOX10 is on the minus strand). VCF-style: chr22-37983641-T-G. GRCh37 (hg19) VCF-style: chr22-38379648-T-G.
Other names: c.*38+11331T>G (NM_001363825.1); c.294-2513T>G (NM_001301130.2); c.293+16471T>G (NM_001301131.2).
Identifiers: ClinVar variation 680429 (VCV000680429.3), dbSNP rs1601887003, ClinGen allele CA514777183.